The following is an entry in ClinVar:

NM_000141.5(FGFR2):c.2301+1186A>G

Gene: FGFR2 (fibroblast growth factor receptor 2; minus strand). Cytogenetic location: 10q26.13.
Variant type: single nucleotide variant.
Coding change: c.2301+1186A>G on transcript NM_000141.5 (MANE Select); 1186 bases into the intron after coding-DNA position 2301, A replaced by G.
Molecular consequence: intron variant.
Genome position (GRCh38, 1-based): chr10:121,482,512, T>C on the plus strand (A>G on the coding strand, the complement: FGFR2 is on the minus strand). VCF-style: chr10-121482512-T-C. GRCh37 (hg19) VCF-style: chr10-123242026-T-C.
Other names: c.1965+1186A>G (NM_001144914.1); c.1950+1186A>G (NM_001144918.2, NM_001441091.1); c.1956+1186A>G (NM_001441090.1, NM_001144916.2); c.2028+1186A>G (NM_001441089.1); c.2034+1186A>G (NM_023029.3, NM_001144915.2); c.2031+1186A>G (NM_001441088.1); c.1953+1186A>G (NM_001144917.2); c.2295+1186A>G (NM_001320658.2); and 5 more.
Identifiers: ClinVar variation 667901 (VCV000667901.1), dbSNP rs3135814, ClinGen allele CA15655088.
Genomic context (GRCh38, chr10:121,482,512, plus strand): 5'-AAACTATTTCCTAAATCAGAAATTAAGTGTATTATTTTCCTTCTAAAATACTTGGGGGAC[T>C]TTAACTTTTTTCTTGTTGAGACAATTGCATGGTTTGGAGTTAGTTTCCTGTGTAAAAGAA-3'

ClinVar aggregate classification (germline): Benign (1 of 4 stars; one submission).

Allele frequency attached by ClinVar (database versions not stated): gnomAD 0.74007 and 0.75182; TOPMed 0.75577; 1000 Genomes Project 30x 0.79544; 1000 Genomes Project 0.80092.
gnomAD v4.1: 114,494 of 152,142 alleles (75%); highest among the groups gnomAD compares: East Asian, 98%; 44,008 homozygotes.

Submission:

GeneDx
Classification: Benign. Last evaluated: 2018-06-14. Review status: criteria provided, single submitter. Criteria: GeneDx Variant Classification (06012015). Collection method: clinical testing. Allele origin: germline. Affected: yes.
Comment: This variant is considered likely benign or benign based on one or more of the following criteria: it is a conservative change, it occurs at a poorly conserved position in the protein, it is predicted to be benign by multiple in silico algorithms, and/or has population frequency not consistent with disease.